The following is an entry in ClinVar:

NM_001130009.3(GEN1):c.2686C>A (p.Pro896Thr)

Gene: GEN1 (GEN1 structure-specific endonuclease; plus strand). Cytogenetic location: 2p24.2.
Variant type: single nucleotide variant.
Coding change: c.2686C>A on transcript NM_001130009.3 (MANE Select); coding-DNA position 2686, C replaced by A.
Protein change: p.Pro896Thr; replaces proline 896 with threonine.
Molecular consequence: missense variant.
Genome position (GRCh38, 1-based): chr2:17,781,898, C>A. VCF-style: chr2-17781898-C-A. GRCh37 (hg19) VCF-style: chr2-17963165-C-A.
Other names: c.2686C>A (NM_001130009.1); c.2686C>A, p.Pro896Thr (NM_182625.5); short protein forms P896T.
Identifiers: ClinVar variation 938484 (VCV000938484.8), dbSNP rs182439530, ClinGen allele CA1541005.

ClinVar aggregate classification (germline): Uncertain significance. Review status: criteria provided, multiple submitters, no conflicts (2 of 4 stars). 2 submissions from 2 submitters: Uncertain significance (2). Last evaluated 2025-12-22.

Allele frequency attached by ClinVar (database versions not stated): ExAC 0.00008; TOPMed 0.00009; gnomAD exomes 0.00010 and 0.00021; ESP Exome Variant Server 0.00015; gnomAD 0.00015; 1000 Genomes Project 0.00040.
gnomAD v4.1: 314 of 1,573,196 alleles (0.02%); highest among the groups gnomAD compares: Non-Finnish European, 0.026%; no homozygotes.

Submissions (2):

Labcorp Genetics (formerly Invitae), Labcorp
Classification: Uncertain significance. Last evaluated: 2025-12-22. Review status: criteria provided, single submitter. Criteria: Invitae Variant Classification Sherloc (09022015). Collection method: clinical testing. Allele origin: germline.
Comment: This sequence change replaces proline, which is neutral and non-polar, with threonine, which is neutral and polar, at codon 896 of the GEN1 protein (p.Pro896Thr). This variant is present in population databases (rs182439530, gnomAD 0.02%). This variant has not been reported in the literature in individuals affected with GEN1-related conditions. ClinVar contains an entry for this variant (Variation ID: 938484). An algorithm developed to predict the effect of missense changes on protein structure and function (PolyPhen-2) suggests that this variant is likely to be disruptive. In summary, the available evidence is currently insufficient to determine the role of this variant in disease. Therefore, it has been classified as a Variant of Uncertain Significance.

Ambry Genetics
Classification: Uncertain significance. Last evaluated: 2025-08-03. Review status: criteria provided, single submitter. Criteria: Ambry Variant Classification Scheme 2023. Collection method: clinical testing. Allele origin: germline.